The following is an entry in ClinVar:

ClinVar aggregate classification (germline): Uncertain significance (1 of 4 stars; one submission).

Allele frequency attached by ClinVar (database versions not stated): TOPMed below 0.00001; gnomAD 0.00001; gnomAD exomes 0.00001.
gnomAD v4.1: 8 of 1,572,698 alleles (0.00051%); highest among the groups gnomAD compares: Non-Finnish European, 0.00069%; no homozygotes.

Submission:

Labcorp Genetics (formerly Invitae), Labcorp
Classification: Uncertain significance. Last evaluated: 2023-07-16. Review status: criteria provided, single submitter. Criteria: Invitae Variant Classification Sherloc (09022015). Collection method: clinical testing. Allele origin: germline.
Comment: This variant has not been reported in the literature in individuals affected with DDX58-related conditions. This variant is present in population databases (no rsID available, gnomAD 0.002%). This sequence change replaces isoleucine, which is neutral and non-polar, with threonine, which is neutral and polar, at codon 499 of the DDX58 protein (p.Ile499Thr). Advanced modeling of protein sequence and biophysical properties (such as structural, functional, and spatial information, amino acid conservation, physicochemical variation, residue mobility, and thermodynamic stability) performed at Invitae indicates that this missense variant is not expected to disrupt DDX58 protein function. In summary, the available evidence is currently insufficient to determine the role of this variant in disease. Therefore, it has been classified as a Variant of Uncertain Significance.

NM_014314.4(RIGI):c.1496T>C (p.Ile499Thr)

Gene: RIGI (RNA sensor RIG-I; minus strand). Cytogenetic location: 9p21.1.
Variant type: single nucleotide variant.
Coding change: c.1496T>C on transcript NM_014314.4 (MANE Select); coding-DNA position 1496, T replaced by C.
Protein change: p.Ile499Thr; replaces isoleucine 499 with threonine.
Molecular consequence: missense variant.
Genome position (GRCh38, 1-based): chr9:32,481,482, A>G on the plus strand (T>C on the coding strand, the complement: RIGI is on the minus strand). VCF-style: chr9-32481482-A-G. GRCh37 (hg19) VCF-style: chr9-32481480-A-G.
Other names: c.1490T>C, p.Ile497Thr (NM_001385907.1); c.1496T>C, p.Ile499Thr (NM_001385909.1); c.1055T>C, p.Ile352Thr (NM_001385910.1); c.887T>C, p.Ile296Thr (NM_001385912.1); c.1481T>C, p.Ile494Thr (NM_001385913.1); c.1052T>C, p.Ile351Thr (NM_001385914.1); short protein forms I497T, I352T, I494T, I351T, I296T, I499T.
Identifiers: ClinVar variation 2985688 (VCV002985688.3), dbSNP rs1444460674, ClinGen allele CA373153379.
Genomic context (GRCh38, chr9:32,481,482, plus strand): 5'-GCTTTCTGAACTGTAACAATCCATTGTTCATATTTCTGTGTTCCAAATTCCCTATTTTGA[A>G]TTTGAGATAAGTTTTCTGTTAAAAAAAAAAAAAAAAGTTTTTCACTGTCTCATATGGTCA-3'
Protein context (NP_055129.2, residues 489-509): ICKDLENLSQ[Ile499Thr]QNREFGTQKY